The following is an entry in ClinVar:

ClinVar aggregate classification (germline): Uncertain significance. Review status: criteria provided, multiple submitters, no conflicts (2 of 4 stars). 3 submissions from 2 submitters: Uncertain significance (3). Last evaluated 2018-08-25.

Conditions:
Susceptibility to mononeuropathy of the median nerve, mild. Also called: CARPAL TUNNEL SYNDROME, SUSCEPTIBILITY TO. Identifiers: MedGen C3150596, MONDO:0013237, OMIM 613353.
Charcot-Marie-Tooth disease type 4C (CMT4C). Also called: CHARCOT-MARIE-TOOTH DISEASE, DEMYELINATING, AUTOSOMAL RECESSIVE, TYPE 4C; CMT 4C; Charcot-Marie-Tooth Neuropathy Type 4C (CMT4C); CHARCOT-MARIE-TOOTH DISEASE, DEMYELINATING, TYPE 4C; SH3TC2-Related Hereditary Motor and Sensory Neuropathy. Identifiers: Orphanet 99949, MedGen C1866636, MONDO:0011113, OMIM 601596.
Charcot-Marie-Tooth disease type 4. Also called: Charcot-Marie-Tooth, Type 4; Charcot-Marie-Tooth disease, type IV. Identifiers: Orphanet 64749, MedGen C4082197, MONDO:0018995.

Allele frequency attached by ClinVar (database versions not stated): ExAC 0.00001; gnomAD 0.00001; TOPMed 0.00001.
gnomAD v4.1: 38 of 1,614,024 alleles (0.0024%); highest among the groups gnomAD compares: Non-Finnish European, 0.003%; no homozygotes.

Submissions (3):

Labcorp Genetics (formerly Invitae), Labcorp
Classification: Uncertain significance for Charcot-Marie-Tooth disease type 4. Last evaluated: 2018-08-25. Review status: criteria provided, single submitter. Criteria: Invitae Variant Classification Sherloc (09022015). Collection method: clinical testing. Allele origin: germline.
Comment: This sequence change replaces glycine with valine at codon 319 of the SH3TC2 protein (p.Gly319Val). The glycine residue is highly conserved and there is a moderate physicochemical difference between glycine and valine. This variant is present in population databases (rs753423455, ExAC 0.001%). This variant has not been reported in the literature in individuals with SH3TC2-related disease. ClinVar contains an entry for this variant (Variation ID: 351916). Algorithms developed to predict the effect of missense changes on protein structure and function (SIFT, PolyPhen-2, Align-GVGD) all suggest that this variant is likely to be disruptive, but these predictions have not been confirmed by published functional studies and their clinical significance is uncertain. In summary, the available evidence is currently insufficient to determine the role of this variant in disease. Therefore, it has been classified as a Variant of Uncertain Significance.

Illumina Laboratory Services, Illumina
Classification: Uncertain significance for Charcot-Marie-Tooth disease type 4C. Last evaluated: 2018-01-12. Review status: criteria provided, single submitter. Criteria: ICSL Variant Classification Criteria 13 December 2019. Collection method: clinical testing. Allele origin: germline.

Illumina Laboratory Services, Illumina
Classification: Uncertain significance for Susceptibility to mononeuropathy of the median nerve, mild. Last evaluated: 2018-01-12. Review status: criteria provided, single submitter. Criteria: ICSL Variant Classification Criteria 13 December 2019. Collection method: clinical testing. Allele origin: germline.

NM_024577.4(SH3TC2):c.956G>T (p.Gly319Val)

Gene: SH3TC2 (SH3 domain and tetratricopeptide repeats 2; minus strand). Cytogenetic location: 5q32.
Variant type: single nucleotide variant.
Coding change: c.956G>T on transcript NM_024577.4 (MANE Select); coding-DNA position 956, G replaced by T.
Protein change: p.Gly319Val; replaces glycine 319 with valine.
Molecular consequence: missense variant.
Genome position (GRCh38, 1-based): chr5:149,038,340, C>A on the plus strand (G>T on the coding strand, the complement: SH3TC2 is on the minus strand). VCF-style: chr5-149038340-C-A. GRCh37 (hg19) VCF-style: chr5-148417903-C-A.
Other names: short protein forms G319V.
Identifiers: ClinVar variation 351916 (VCV000351916.14), dbSNP rs753423455, ClinGen allele CA3499339.